The following is an entry in ClinVar:

ClinVar aggregate classification (germline): Likely pathogenic (1 of 4 stars; one submission).

Conditions:
Sandhoff disease. Also called: GM2-GANGLIOSIDOSIS, TYPE II; HEXOSAMINIDASES A AND B DEFICIENCY; Beta-hexosaminidase-beta-subunit deficiency; GM2 gangliosidosis, type 2; Total hexosaminidase deficiency; Sandhoff-Jatzkewitz-Pilz disease. Identifiers: Orphanet 796, MedGen C0036161, MONDO:0010006, OMIM 268800.

Submission:

Dubai Health Genomic Medicine Center, Dubai Health
Classification: Likely pathogenic for Sandhoff disease. Last evaluated: 2024-10-04. Review status: criteria provided, single submitter. Criteria: ACMG Guidelines, 2015. Collection method: research. Allele origin: germline. Affected: yes.
Comment: PVS1,PM2

NM_000521.4(HEXB):c.826_829del (p.Glu276fs)

Gene: HEXB (hexosaminidase subunit beta; plus strand). Cytogenetic location: 5q13.3.
Variant type: Deletion.
Coding change: c.826_829del on transcript NM_000521.4 (MANE Select); coding-DNA positions 826 to 829, 4 bases deleted (GAAT; older notation c.826_829delGAAT).
Protein change: p.Glu276fs; shifts the reading frame from glutamic acid 276.
Molecular consequence: frameshift variant.
Genome position (GRCh38, 1-based): chr5:74,713,560-74,713,563, GAAT deleted; deleting any 4 consecutive bases within chr5:74,713,559-74,713,563 gives the same sequence; the c. name uses the placement nearest the transcript's 3' end. VCF-style (leftmost placement, unchanged base first): chr5-74713558-TTGAA-T. GRCh37 (hg19) VCF-style: chr5-74009383-TTGAA-T.
Other names: c.151_154del, p.Glu51fs (NM_001292004.2); short protein forms E276fs, E51fs.
Identifiers: ClinVar variation 3384094 (VCV003384094.1).